The following is an entry in ClinVar:

ClinVar aggregate classification (germline): Uncertain significance. Review status: criteria provided, multiple submitters, no conflicts (2 of 4 stars). 3 submissions from 3 submitters: Uncertain significance (2). 1 of the submissions does not count toward it. Last evaluated 2024-04-09.

Conditions:
Multiple endocrine neoplasia, type 2 (MEN2). Identifiers: Orphanet 653, MedGen C4048306, MONDO:0019003. Disease mechanism: gain of function.
Hirschsprung disease, susceptibility to, 1 (HSCR1). Also called: RET-Related Hirschsprung Disease. Identifiers: Orphanet 388, MedGen C3888239, MONDO:0007723, OMIM 142623.

Submissions (3):

Labcorp Genetics (formerly Invitae), Labcorp
Classification: Uncertain significance for Multiple endocrine neoplasia, type 2. Last evaluated: 2024-04-09. Review status: criteria provided, single submitter. Criteria: Invitae Variant Classification Sherloc (09022015). Collection method: clinical testing. Allele origin: germline.
Comment: This sequence change replaces proline, which is neutral and non-polar, with leucine, which is neutral and non-polar, at codon 64 of the RET protein (p.Pro64Leu). This variant is not present in population databases (gnomAD no frequency). This missense change has been observed in individual(s) with Hirschprung disease (PMID: 7581377, 8114939). ClinVar contains an entry for this variant (Variation ID: 13924). An algorithm developed to predict the effect of missense changes on protein structure and function (PolyPhen-2) suggests that this variant is likely to be tolerated. Experimental studies have shown that this missense change affects RET function (PMID: 8894691). In summary, the available evidence is currently insufficient to determine the role of this variant in disease. Therefore, it has been classified as a Variant of Uncertain Significance.

All of Us Research Program, National Institutes of Health
Classification: Uncertain significance for Multiple endocrine neoplasia, type 2. Last evaluated: 2023-04-27. Review status: criteria provided, single submitter. Criteria: ACMG Guidelines, 2015. Collection method: clinical testing. Allele origin: germline. Inheritance: Autosomal dominant inheritance. Observed: 1 variant allele, 1 heterozygote.
Comment: This study involves interpretation of variants in research participants for the purpose of population health screening. Participant phenotype was not available at the time of variant classification. Additional details can be found in publication PMID: 35346344, PMCID: PMC8962531

OMIM
Classification: risk factor for HIRSCHSPRUNG DISEASE, SUSCEPTIBILITY TO, 1. Last evaluated: 1994-01-27. Review status: no assertion criteria provided. Collection method: literature only. Allele origin: germline. Not counted in ClinVar's aggregate classification.

Literature cited by the submitters: PubMed 7581377 (cited by Labcorp Genetics (formerly Invitae), Labcorp); PubMed 8114939 (cited by Labcorp Genetics (formerly Invitae), Labcorp and OMIM); PubMed 8894691 (cited by Labcorp Genetics (formerly Invitae), Labcorp).

NM_020975.6(RET):c.191C>T (p.Pro64Leu)

Gene: RET (ret proto-oncogene; plus strand). Cytogenetic location: 10q11.21.
Variant type: single nucleotide variant.
Coding change: c.191C>T on transcript NM_020975.6 (MANE Select); coding-DNA position 191, C replaced by T.
Protein change: p.Pro64Leu; replaces proline 64 with leucine.
Molecular consequence: missense variant.
Genome position (GRCh38, 1-based): chr10:43,100,576, C>T. VCF-style: chr10-43100576-C-T. GRCh37 (hg19) VCF-style: chr10-43596024-C-T.
Other names: c.191C>T, p.Pro64Leu (NM_001406772.1, NM_001406773.1, NM_001406774.1 and 34 more transcripts); short protein forms P64L.
Identifiers: ClinVar variation 13924 (VCV000013924.7), dbSNP rs77596424, ClinGen allele CA008426.